The following is an entry in ClinVar:

ClinVar aggregate classification (germline): Uncertain significance. Review status: criteria provided, multiple submitters, no conflicts (2 of 4 stars). 2 submissions from 2 submitters: Uncertain significance (2). Last evaluated 2026-01-06.

Conditions:
Kabuki syndrome 1 (KABUK1). Also called: KMT2D-Related Kabuki Syndrome. Identifiers: Orphanet 2322, MedGen CN030661, MONDO:0007843, OMIM 147920.
Kabuki syndrome. Also called: Kabuki make-up syndrome; NIIKAWA-KUROKI SYNDROME. Identifiers: Orphanet 2322, MedGen C0796004, MONDO:0016512.

Submissions (2):

Labcorp Genetics (formerly Invitae), Labcorp
Classification: Uncertain significance for Kabuki syndrome. Last evaluated: 2026-01-06. Review status: criteria provided, single submitter. Criteria: Invitae Variant Classification Sherloc (09022015). Collection method: clinical testing. Allele origin: germline.
Comment: This sequence change replaces glutamic acid, which is acidic and polar, with glutamine, which is neutral and polar, at codon 1080 of the KMT2D protein (p.Glu1080Gln). Information on the frequency of this variant in the gnomAD database is not available, as this variant may be reported differently in the database. This variant has not been reported in the literature in individuals affected with KMT2D-related conditions. ClinVar contains an entry for this variant (Variation ID: 1390392). Experimental studies and prediction algorithms are not available or were not evaluated, and the functional significance of this variant is currently unknown. In summary, the available evidence is currently insufficient to determine the role of this variant in disease. Therefore, it has been classified as a Variant of Uncertain Significance.

Fulgent Genetics
Classification: Uncertain significance for Kabuki syndrome 1. Last evaluated: 2021-07-20. Review status: criteria provided, single submitter. Criteria: ACMG Guidelines, 2015. Collection method: clinical testing. Allele origin: unknown.

NM_003482.4(KMT2D):c.3237_3238delinsCC (p.Glu1080Gln)

Gene: KMT2D (lysine methyltransferase 2D; minus strand). Cytogenetic location: 12q13.12.
Variant type: Indel.
Coding change: c.3237_3238delinsCC on transcript NM_003482.4 (MANE Select); coding-DNA positions 3237 to 3238, AG replaced by CC.
Protein change: p.Glu1080Gln; replaces glutamic acid 1080 with glutamine.
Molecular consequence: missense variant.
Genome position (GRCh38, 1-based): chr12:49,050,350-49,050,351, CT replaced by GG on the plus strand (AG replaced by CC on the coding strand, the reverse complement: KMT2D is on the minus strand). VCF-style: chr12-49050350-CT-GG. GRCh37 (hg19) VCF-style: chr12-49444133-CT-GG.
Other names: short protein forms E1080Q.
Identifiers: ClinVar variation 1390392 (VCV001390392.7), dbSNP rs2120649248, ClinGen allele CA2573148661.